The following is an entry in ClinVar:

NM_001353214.3(DYM):c.963del (p.Ser322fs)

Gene: DYM (dymeclin; minus strand). Cytogenetic location: 18q21.1.
Variant type: Deletion.
Coding change: c.963del on transcript NM_001353214.3 (MANE Select); coding-DNA position 963, one base deleted (C; older notation c.963delC).
Protein change: p.Ser322fs; shifts the reading frame from serine 322.
Molecular consequence: frameshift variant.
Genome position (GRCh38, 1-based): chr18:49,282,159, G deleted on the plus strand (C on the coding strand, the reverse complement: DYM is on the minus strand); the first of 4 consecutive G bases (chr18:49,282,159-49,282,162); deleting any one gives the same sequence. VCF-style (leftmost placement, unchanged base first): chr18-49282158-AG-A. GRCh37 (hg19) VCF-style: chr18-46808528-AG-A.
Other names: c.960del, p.Ser321fs (NM_001353210.3, NM_001353211.3, NM_001353212.3 and 3 more transcripts); c.963del, p.Ser322fs (NM_001353215.3, NM_001353216.3, NM_001374428.1 and 5 more transcripts); c.957del, p.Ser320fs (NM_001374429.1, NM_001374439.1); c.837del, p.Ser280fs (NM_001374432.1, NM_001374436.1); c.780del, p.Ser261fs (NM_001374437.1); c.735del, p.Ser246fs (NM_001374440.1); c.393del, p.Ser132fs (NM_001374441.1, NM_001374442.1, NM_001374444.1); c.390del, p.Ser131fs (NM_001374443.1); short protein forms S131fs, S132fs, S246fs, S261fs, S280fs, S320fs, S321fs, S322fs.
Identifiers: ClinVar variation 1048092 (VCV001048092.1), dbSNP rs2095000244, ClinGen allele CA2302144121.

ClinVar aggregate classification (germline): Pathogenic (1 of 4 stars; one submission).

Conditions:
Dyggve-Melchior-Clausen syndrome (DMC). Also called: Dyggve-Melchior-Clausen disease; DMC syndrome. Identifiers: Orphanet 239, MedGen C0265286, MONDO:0009130, OMIM 223800.

Submission:

Centre for Human Genetics
Classification: Pathogenic for Dyggve-Melchior-Clausen syndrome. Last evaluated: 2020-10-01. Review status: criteria provided, single submitter. Criteria: ACMG Guidelines, 2015. Collection method: clinical testing. Allele origin: germline. Affected: yes and no. Observed: 3 variant alleles. Segregation with disease observed.